The following is an entry in ClinVar:

ClinVar aggregate classification (germline): Uncertain significance (1 of 4 stars; one submission).

Conditions:
Inborn genetic diseases. Identifiers: MedGen C0950123, MeSH D030342.

Submission:

Ambry Genetics
Classification: Uncertain significance for Inborn genetic diseases. Last evaluated: 2025-08-25. Review status: criteria provided, single submitter. Criteria: Ambry Variant Classification Scheme 2023. Collection method: clinical testing. Allele origin: germline.
Comment: The p.N1438S variant (also known as c.4313A>G), located in coding exon 1 of the SAMD9L gene, results from an A to G substitution at nucleotide position 4313. The asparagine at codon 1438 is replaced by serine, an amino acid with highly similar properties. This amino acid position is conserved. In addition, this alteration is predicted to be tolerated by in silico analysis. Based on the available evidence, the clinical significance of this variant remains unclear.

NM_152703.5(SAMD9L):c.4313A>G (p.Asn1438Ser)

Gene: SAMD9L (sterile alpha motif domain containing 9 like; minus strand). Cytogenetic location: 7q21.2.
Variant type: single nucleotide variant.
Coding change: c.4313A>G on transcript NM_152703.5 (MANE Select); coding-DNA position 4313, A replaced by G.
Protein change: p.Asn1438Ser; replaces asparagine 1438 with serine.
Molecular consequence: missense variant.
Genome position (GRCh38, 1-based): chr7:93,131,659, T>C on the plus strand (A>G on the coding strand, the complement: SAMD9L is on the minus strand). VCF-style: chr7-93131659-T-C. GRCh37 (hg19) VCF-style: chr7-92760972-T-C.
Other names: c.4313A>G, p.Asn1438Ser (NM_001303496.3, NM_001303497.3, NM_001303498.3 and 5 more transcripts); short protein forms N1438S.
Identifiers: ClinVar variation 4159441 (VCV004159441.1).